The following is an entry in ClinVar:

Conditions:
Breast-ovarian cancer, familial, susceptibility to, 1 (BROVCA1). Also called: BRCA1 Hereditary Breast and Ovarian Cancer; OVARIAN CANCER, SUSCEPTIBILITY TO. Identifiers: Orphanet 145, MedGen C2676676, MONDO:0011450, OMIM 604370. Disease mechanism: loss of function.

Submission:

Brotman Baty Institute, University of Washington
No classification provided (evidence only). Condition: Breast-ovarian cancer, familial 1. Review status: no classification provided. Collection method: in vitro. Allele origin: not applicable. Functional consequence: functionally_normal.
ClinVar note: "not provided" was previously submitted as the classification for the variant. However, the classification appeared to be based only on an observation of functional data so it was converted to no classification on 2025-07-30.

NM_007294.4(BRCA1):c.5453A>C (p.Asp1818Ala)

Gene: BRCA1 (BRCA1 DNA repair associated; minus strand). Cytogenetic location: 17q21.31.
Variant type: single nucleotide variant.
Coding change: c.5453A>C on transcript NM_007294.4 (MANE Select); coding-DNA position 5453, A replaced by C.
Protein change: p.Asp1818Ala; replaces aspartic acid 1818 with alanine.
Molecular consequence: missense variant. On other transcripts: synonymous variant (17).
Genome position (GRCh38, 1-based): chr17:43,047,657, T>G on the plus strand (A>C on the coding strand, the complement: BRCA1 is on the minus strand). VCF-style: chr17-43047657-T-G. GRCh37 (hg19) VCF-style: chr17-41199674-T-G.
Other names: c.5240A>C, p.Asp1747Ala (NM_001407571.1, NM_001407894.1, NM_001407895.1 and 12 more transcripts); c.5519A>C, p.Asp1840Ala (NM_001407581.1, NM_001407582.1); c.5516A>C, p.Asp1839Ala (NM_001407583.1, NM_001407585.1, NM_001407587.1 and 1 more transcripts); c.5513A>C, p.Asp1838Ala (NM_001407590.1, NM_001407591.1); c.5453A>C, p.Asp1818Ala (NM_001407593.1, NM_001407594.1, NM_001407596.1 and 5 more transcripts); c.5450A>C, p.Asp1817Ala (NM_001407610.1, NM_001407611.1, NM_001407612.1 and 14 more transcripts); c.5447A>C, p.Asp1816Ala (NM_001407627.1, NM_001407628.1, NM_001407629.1 and 13 more transcripts); c.5444A>C, p.Asp1815Ala (NM_001407644.1, NM_001407645.1); and 83 more; short protein forms D1771A, D1818A, D714A, D1839A, D1521A, D1649A, D1707A, D1730A.
Identifiers: ClinVar variation 865535 (VCV000865535.3), dbSNP rs80357477, ClinGen allele CA10590482.
Genomic context (GRCh38, chr17:43,047,657, plus strand): 5'-CATGCAAAAGGACCCCATATAGCACAGGTACATGCAGGCACCTTACCATGGAAGCCATTG[T>G]CCTCTGTCCAGGCATCTGGCTGCACAACCACAATTGGGTGGACACCCTGGATCCCCAGGA-3'
Protein context (NP_009225.1, residues 1808-1828): VVVQPDAWTE[Asp1818Ala]NGFHAIGQMC